The following is an entry in ClinVar:

ClinVar aggregate classification (germline): Conflicting classifications of pathogenicity. Review status: criteria provided, conflicting classifications (1 of 4 stars). 3 submissions from 3 submitters: Uncertain significance (1); Likely benign (1). 1 of the submissions does not count toward it. Last evaluated 2022-07-15.

Conditions:
AP4E1-related disorder. Also called: AP4E1-related condition.
Spastic paraplegia. Identifiers: MedGen C0037772, HP:0001258.
Hereditary spastic paraplegia. Also called: Familial spastic paraparesis. Identifiers: Orphanet 685, MedGen C0037773, MONDO:0019064. Disease mechanism: loss of function.

Allele frequency attached by ClinVar (database versions not stated): ExAC 0.00001; gnomAD exomes 0.00001 and 0.00002; TOPMed 0.00002.
gnomAD v4.1: 23 of 1,611,790 alleles (0.0014%); highest among the groups gnomAD compares: Non-Finnish European, 0.0018%; no homozygotes.

Submissions (3):

Labcorp Genetics (formerly Invitae), Labcorp
Classification: Likely benign for Spastic paraplegia. Last evaluated: 2022-07-15. Review status: criteria provided, single submitter. Criteria: Invitae Variant Classification Sherloc (09022015). Collection method: clinical testing. Allele origin: germline.

Genome Diagnostics Laboratory, The Hospital for Sick Children
Classification: Uncertain significance for Hereditary spastic paraplegia. Last evaluated: 2017-04-05. Review status: criteria provided, single submitter. Criteria: ACMG Guidelines, 2015. Collection method: clinical testing. Allele origin: germline. Affected: yes.

PreventionGenetics, part of Exact Sciences
Classification: Likely benign for AP4E1-related condition. Last evaluated: 2019-11-27. Review status: no assertion criteria provided. Collection method: clinical testing. Allele origin: germline. Not counted in ClinVar's aggregate classification.
Comment: This variant is classified as likely benign based on ACMG/AMP sequence variant interpretation guidelines (Richards et al. 2015 PMID: 25741868, with internal and published modifications).

NM_007347.5(AP4E1):c.944-6T>A

Gene: AP4E1 (adaptor related protein complex 4 subunit epsilon 1; plus strand). Cytogenetic location: 15q21.2.
Variant type: single nucleotide variant.
Coding change: c.944-6T>A on transcript NM_007347.5 (MANE Select); 6 bases into the intron before coding-DNA position 944, T replaced by A.
Molecular consequence: intron variant.
Genome position (GRCh38, 1-based): chr15:50,941,436, T>A. VCF-style: chr15-50941436-T-A. GRCh37 (hg19) VCF-style: chr15-51233633-T-A.
Other names: c.719-6T>A (NM_001252127.2).
Identifiers: ClinVar variation 662478 (VCV000662478.13), dbSNP rs775899244, ClinGen allele CA7558936.